The following is an entry in ClinVar:

ClinVar aggregate classification (germline): Benign/Likely benign. Review status: criteria provided, multiple submitters, no conflicts (2 of 4 stars). 11 submissions from 11 submitters: Benign (1); Likely benign (10). Last evaluated 2026-01-19.

Conditions:
Classic or attenuated familial adenomatous polyposis. Identifiers: MedGen CN372698, MONDO:0021057.
Hereditary cancer-predisposing syndrome. Also called: Tumor predisposition; Hereditary neoplastic syndrome; Hereditary Cancer Syndrome; Neoplastic Syndromes, Hereditary. Identifiers: Orphanet 140162, MedGen C0027672, MeSH D009386, MONDO:0015356.
Familial adenomatous polyposis 1 (FAP1). Also called: FAMILIAL ADENOMATOUS POLYPOSIS 1, ATTENUATED; POLYPOSIS, ADENOMATOUS INTESTINAL. Identifiers: MedGen C2713442, MONDO:0021056, OMIM 175100. Disease mechanism: loss of function.

Allele frequency attached by ClinVar (database versions not stated): ExAC 0.00002; gnomAD 0.00002; gnomAD exomes 0.00002; TOPMed 0.00002.
gnomAD v4.1: 16 of 1,613,938 alleles (0.00099%); highest among the groups gnomAD compares: Admixed American, 0.01%; no homozygotes.

Submissions (11):

Labcorp Genetics (formerly Invitae), Labcorp
Classification: Likely benign for Familial adenomatous polyposis 1. Last evaluated: 2026-01-19. Review status: criteria provided, single submitter. Criteria: Invitae Variant Classification Sherloc (09022015). Collection method: clinical testing. Allele origin: germline.

CeGaT Center for Human Genetics Tuebingen
Classification: Likely benign. Last evaluated: 2025-08-01. Review status: criteria provided, single submitter. Criteria: CeGaT Center For Human Genetics Tuebingen Variant Classification Criteria Version 2. Collection method: clinical testing. Allele origin: germline. Affected: yes. Observed: 1 variant allele.
Comment: APC: BP4, BP7

Women's Health and Genetics/Laboratory Corporation of America, LabCorp
Classification: Likely benign. Last evaluated: 2025-04-07. Review status: criteria provided, single submitter. Criteria: LabCorp Variant Classification Summary - May 2015. Collection method: clinical testing. Allele origin: germline.

Center for Genomic Medicine, Rigshospitalet, Copenhagen University Hospital
Classification: Likely benign. Last evaluated: 2025-03-04. Review status: criteria provided, single submitter. Criteria: ACMG Guidelines, 2015. Collection method: clinical testing. Allele origin: germline.

All of Us Research Program, National Institutes of Health
Classification: Likely benign for Classic or attenuated familial adenomatous polyposis. Last evaluated: 2024-05-09. Review status: criteria provided, single submitter. Criteria: ACMG Guidelines, 2015. Collection method: clinical testing. Allele origin: germline. Inheritance: Autosomal dominant inheritance. Observed: 7 variant alleles, 7 heterozygotes.
Comment: This study involves interpretation of variants in research participants for the purpose of population health screening. Participant phenotype was not available at the time of variant classification. Additional details can be found in publication PMID: 35346344, PMCID: PMC8962531

Myriad Genetics, Inc.
Classification: Benign for Familial adenomatous polyposis 1. Last evaluated: 2024-04-02. Review status: criteria provided, single submitter. Criteria: Myriad Autosomal Dominant, Autosomal Recessive and X-Linked Classification Criteria (2023). Collection method: clinical testing. Allele origin: unknown.
Comment: This variant is considered benign. This variant is a silent/synonymous amino acid change and it is not expected to impact splicing.

KCCC/NGS Laboratory, Kuwait Cancer Control Center
Classification: Likely benign for Familial adenomatous polyposis 1. Last evaluated: 2023-07-07. Review status: criteria provided, single submitter. Criteria: ACMG Guidelines, 2015. Collection method: clinical testing. Allele origin: germline. Affected: yes.

Quest Diagnostics Nichols Institute San Juan Capistrano
Classification: Likely benign. Last evaluated: 2022-08-03. Review status: criteria provided, single submitter. Criteria: Quest Diagnostics criteria. Collection method: clinical testing. Allele origin: unknown.

GeneDx
Classification: Likely benign. Last evaluated: 2019-03-19. Review status: criteria provided, single submitter. Criteria: GeneDx Variant Classification Process June 2021. Collection method: clinical testing. Allele origin: germline. Affected: yes.

Color Diagnostics, LLC DBA Color Health
Classification: Likely benign for Hereditary cancer-predisposing syndrome. Last evaluated: 2016-08-06. Review status: criteria provided, single submitter. Criteria: ACMG Guidelines, 2015. Collection method: clinical testing. Allele origin: germline.

Ambry Genetics
Classification: Likely benign for Hereditary cancer-predisposing syndrome. Last evaluated: 2015-01-12. Review status: criteria provided, single submitter. Criteria: Ambry Variant Classification Scheme 2023. Collection method: clinical testing. Allele origin: germline.

NM_000038.6(APC):c.5823A>G (p.Pro1941=)

Gene: APC (APC regulator of Wnt signaling pathway; plus strand). Cytogenetic location: 5q22.2.
Variant type: single nucleotide variant.
Coding change: c.5823A>G on transcript NM_000038.6 (MANE Select); coding-DNA position 5823, A replaced by G.
Protein change: p.Pro1941=; no amino-acid change (proline 1941 retained).
Molecular consequence: synonymous variant.
Genome position (GRCh38, 1-based): chr5:112,841,417, A>G. VCF-style: chr5-112841417-A-G. GRCh37 (hg19) VCF-style: chr5-112177114-A-G.
Other names: c.5823A>G, p.Pro1941= (NM_001127510.3, NM_001354895.2); c.5769A>G, p.Pro1923= (NM_001127511.3); c.5877A>G, p.Pro1959= (NM_001354896.2); c.5853A>G, p.Pro1951= (NM_001354897.2); c.5748A>G, p.Pro1916= (NM_001354898.2); c.5739A>G, p.Pro1913= (NM_001354899.2); c.5700A>G, p.Pro1900= (NM_001354900.2); c.5646A>G, p.Pro1882= (NM_001354901.2); and 5 more.
Identifiers: ClinVar variation 416743 (VCV000416743.47), dbSNP rs770869007, ClinGen allele CA043144.
Genomic context (GRCh38, chr5:112,841,417, plus strand): 5'-TCAGCCTAAACCCATACTTCAGAAACAATCCACTTTTCCCCAGTCATCCAAAGACATACC[A>G]GACAGAGGGGCAGCAACTGATGAAAAGTTACAGAATTTTGCTATTGAAAATACTCCGGTT-3'
Protein context (NP_000029.2, residues 1931-1951): STFPQSSKDI[Pro1941=]DRGAATDEKL